The following is an entry in ClinVar:

ClinVar aggregate classification (germline): Uncertain significance (1 of 4 stars; one submission).

Submission:

Women's Health and Genetics/Laboratory Corporation of America, LabCorp
Classification: Uncertain significance. Last evaluated: 2024-07-17. Review status: criteria provided, single submitter. Criteria: LabCorp Variant Classification Summary - May 2015. Collection method: clinical testing. Allele origin: germline.
Comment: Variant summary: The variant involves the deletion of exons 3-5 in the MBD5 gene. A presumed nomenclature of c.(-925+1_-924-1)_(-557+1_-556-1)del has been designated for the purposes of this classification. The MBD5 gene (NM_018328.5) has five noncoding exons at the 5'-end (exons 1-5) and 10 coding exons (exons 6-15), therefore deletion of exons 3-5 doesn't affect the protein coding region but might potentially alter the mRNA expression. The variant was absent in 120780 control chromosomes in the gnomAD database (Structural Variants v4.1 dataset). To our knowledge, no occurrence of c.(-925+1_-924-1)_(-557+1_-556-1)del in individuals affected with MBD5 Associated Neurodevelopmental Disorder and no experimental evidence demonstrating its impact on protein function have been reported. No submitters have cited clinical-significance assessments for this variant to ClinVar. Based on the evidence outlined above, the variant was classified as uncertain significance.

NC_000002.11:g.(148779254_148936268)_(149099906_149215771)del

Gene: MBD5 (methyl-CpG binding domain protein 5; plus strand). Cytogenetic location: 2q23.1.
Variant type: Deletion.
Identifiers: ClinVar variation 3339471 (VCV003339471.1).